The following is an entry in ClinVar:

NM_173551.5(ANKS6):c.1526G>A (p.Arg509His)

Gene: ANKS6 (ankyrin repeat and sterile alpha motif domain containing 6; minus strand). Cytogenetic location: 9q22.33.
Variant type: single nucleotide variant.
Coding change: c.1526G>A on transcript NM_173551.5 (MANE Select); coding-DNA position 1526, G replaced by A.
Protein change: p.Arg509His; replaces arginine 509 with histidine.
Molecular consequence: missense variant.
Genome position (GRCh38, 1-based): chr9:98,778,267, C>T on the plus strand (G>A on the coding strand, the complement: ANKS6 is on the minus strand). VCF-style: chr9-98778267-C-T. GRCh37 (hg19) VCF-style: chr9-101540549-C-T.
Other names: short protein forms R509H.
Identifiers: ClinVar variation 2571959 (VCV002571959.3), dbSNP rs370716703, ClinGen allele CA5153466.

ClinVar aggregate classification (germline): Uncertain significance. Review status: criteria provided, multiple submitters, no conflicts (2 of 4 stars). 2 submissions from 2 submitters: Uncertain significance (2). Last evaluated 2025-11-11.

Conditions:
Nephronophthisis 16 (NPHP16). Identifiers: Orphanet 655, MedGen C3809320, MONDO:0014158, OMIM 615382.

Allele frequency attached by ClinVar (database versions not stated): ESP Exome Variant Server 0.00008; gnomAD 0.00008; 1000 Genomes Project 0.00020; 1000 Genomes Project 30x 0.00016.
gnomAD v4.1: 92 of 1,614,188 alleles (0.0057%); highest among the groups gnomAD compares: Admixed American, 0.005%; no homozygotes.

Submissions (2):

GeneDx
Classification: Uncertain significance. Last evaluated: 2025-11-11. Review status: criteria provided, single submitter. Criteria: GeneDx Variant Classification Process June 2021. Collection method: clinical testing. Allele origin: germline. Affected: yes.
Comment: In silico analysis suggests that this missense variant does not alter protein structure/function; Has not been previously published as pathogenic or benign to our knowledge

Fulgent Genetics
Classification: Uncertain significance for Nephronophthisis 16. Last evaluated: 2024-01-16. Review status: criteria provided, single submitter. Criteria: ACMG Guidelines, 2015. Collection method: clinical testing. Allele origin: germline.